The following is an entry in ClinVar:

NM_001129.5(AEBP1):c.2217+1G>A

Gene: AEBP1 (AE binding protein 1; plus strand). Cytogenetic location: 7p13.
Variant type: single nucleotide variant.
Coding change: c.2217+1G>A on transcript NM_001129.5 (MANE Select); the canonical splice donor site of the intron after coding-DNA position 2217, G replaced by A.
Molecular consequence: splice donor variant.
Genome position (GRCh38, 1-based): chr7:44,112,322, G>A. VCF-style: chr7-44112322-G-A. GRCh37 (hg19) VCF-style: chr7-44151921-G-A.
Identifiers: ClinVar variation 2704366 (VCV002704366.3), dbSNP rs2484357529, ClinGen allele CA367369238.

ClinVar aggregate classification (germline): Likely pathogenic (1 of 4 stars; one submission).

Submission:

Labcorp Genetics (formerly Invitae), Labcorp
Classification: Likely pathogenic. Last evaluated: 2024-02-16. Review status: criteria provided, single submitter. Criteria: Invitae Variant Classification Sherloc (09022015). Collection method: clinical testing. Allele origin: germline.
Comment: This sequence change affects a donor splice site in intron 17 of the AEBP1 gene. It is expected to disrupt RNA splicing. Variants that disrupt the donor or acceptor splice site typically lead to a loss of protein function (PMID: 16199547), and loss-of-function variants in AEBP1 are known to be pathogenic (PMID: 29606302). This variant is not present in population databases (gnomAD no frequency). This variant has not been reported in the literature in individuals affected with AEBP1-related conditions. Algorithms developed to predict the effect of sequence changes on RNA splicing suggest that this variant may disrupt the consensus splice site. In summary, the currently available evidence indicates that the variant is pathogenic, but additional data are needed to prove that conclusively. Therefore, this variant has been classified as Likely Pathogenic.

Literature cited by the submitters: PubMed 16199547; PubMed 29606302.